The following is an entry in ClinVar:

ClinVar aggregate classification (germline): Uncertain significance (1 of 4 stars; one submission).

Conditions:
Facioscapulohumeral muscular dystrophy 2 (FSHD2). Also called: MUSCULAR DYSTROPHY, FACIOSCAPULOHUMERAL, TYPE 1B; FACIOSCAPULOHUMERAL MUSCULAR DYSTROPHY 2, DIGENIC; FSHD2, DIGENIC. Identifiers: Orphanet 269, MedGen C1834671, MONDO:0008031, OMIM 158901.

Allele frequency attached by ClinVar (database versions not stated): TOPMed below 0.00001.

Submission:

Labcorp Genetics (formerly Invitae), Labcorp
Classification: Uncertain significance for Facioscapulohumeral muscular dystrophy 2. Last evaluated: 2023-01-05. Review status: criteria provided, single submitter. Criteria: Invitae Variant Classification Sherloc (09022015). Collection method: clinical testing. Allele origin: germline.
Comment: This variant has not been reported in the literature in individuals affected with SMCHD1-related conditions. This variant is not present in population databases (gnomAD no frequency). This sequence change falls in intron 5 of the SMCHD1 gene. It does not directly change the encoded amino acid sequence of the SMCHD1 protein. It affects a nucleotide within the consensus splice site. Variants that disrupt the consensus splice site are a relatively common cause of aberrant splicing (PMID: 17576681, 9536098). Algorithms developed to predict the effect of sequence changes on RNA splicing suggest that this variant may create or strengthen a splice site. In summary, the available evidence is currently insufficient to determine the role of this variant in disease. Therefore, it has been classified as a Variant of Uncertain Significance.

Literature cited by the submitters: PubMed 17576681; PubMed 9536098.

NM_015295.3(SMCHD1):c.638+4A>T

Gene: SMCHD1 (structural maintenance of chromosomes flexible hinge domain containing 1; plus strand). Cytogenetic location: 18p11.32.
Variant type: single nucleotide variant.
Coding change: c.638+4A>T on transcript NM_015295.3 (MANE Select); 4 bases into the intron after coding-DNA position 638, A replaced by T.
Molecular consequence: intron variant.
Genome position (GRCh38, 1-based): chr18:2,674,149, A>T. VCF-style: chr18-2674149-A-T. GRCh37 (hg19) VCF-style: chr18-2674148-A-T.
Identifiers: ClinVar variation 2901905 (VCV002901905.3), dbSNP rs1190822351, ClinGen allele CA777957022.